The following is an entry in ClinVar:

ClinVar aggregate classification (germline): Likely benign (1 of 4 stars; one submission).

Allele frequency attached by ClinVar (database versions not stated): gnomAD exomes below 0.00001.
gnomAD v4.1: 1 of 1,535,712 alleles (0.000065%); highest among the groups gnomAD compares: Non-Finnish European, 0.000087%; no homozygotes.

Submission:

CeGaT Center for Human Genetics Tuebingen
Classification: Likely benign. Last evaluated: 2024-02-01. Review status: criteria provided, single submitter. Criteria: CeGaT Center For Human Genetics Tuebingen Variant Classification Criteria Version 2. Collection method: clinical testing. Allele origin: germline. Affected: yes. Observed: 1 variant allele.
Comment: CRIP2: BP4, BP7

NM_001270837.2(CRIP2):c.210C>T (p.His70=)

Gene: CRIP2 (cysteine rich protein 2; plus strand). Cytogenetic location: 14q32.33.
Variant type: single nucleotide variant.
Coding change: c.210C>T on transcript NM_001270837.2; coding-DNA position 210, C replaced by T.
Protein change: p.His70=; no amino-acid change (histidine 70 retained).
Molecular consequence: synonymous variant.
Genome position (GRCh38, 1-based): chr14:105,473,457, C>T. VCF-style: chr14-105473457-C-T. GRCh37 (hg19) VCF-style: chr14-105939794-C-T.
Identifiers: ClinVar variation 3026209 (VCV003026209.20), dbSNP rs1555435171, ClinGen allele CA488417478.
Genomic context (GRCh38, chr14:105,473,457, plus strand): 5'-CAAGGGAGGAGGGTGCTGCCACAGAGAGCCCAGCCAGGACCACCATGAAAGCCAGGAGCA[C>T]CGAGGGCCTCTGGTTGGCTCACAAACATGCCTGGTGCACCAGGCAGAGGGAACAGGTAGG-3'